The following is an entry in ClinVar:

ClinVar aggregate classification (germline): Uncertain significance (1 of 4 stars; one submission).

Conditions:
Hypertrophic cardiomyopathy 14. Identifiers: MedGen C2750467, MONDO:0013197, OMIM 613251.

gnomAD v4.1: 6 of 1,614,166 alleles (0.00037%); highest among the groups gnomAD compares: Non-Finnish European, 0.00051%; no homozygotes.

Submission:

Labcorp Genetics (formerly Invitae), Labcorp
Classification: Uncertain significance for Hypertrophic cardiomyopathy 14. Last evaluated: 2025-12-13. Review status: criteria provided, single submitter. Criteria: Invitae Variant Classification Sherloc (09022015). Collection method: clinical testing. Allele origin: germline.
Comment: This sequence change creates a premature translational stop signal (p.Gln1600*) in the MYH6 gene. It is expected to result in an absent or disrupted protein product. However, the current clinical and genetic evidence is not sufficient to establish whether loss-of-function variants in MYH6 cause disease. This variant is present in population databases (no rsID available, gnomAD 0.0009%). This variant has not been reported in the literature in individuals affected with MYH6-related conditions. In summary, the available evidence is currently insufficient to determine the role of this variant in disease. Therefore, it has been classified as a Variant of Uncertain Significance.

NM_002471.4(MYH6):c.4798C>T (p.Gln1600Ter)

Genes: MYH6 (myosin heavy chain 6; minus strand), LOC126861896 (BRD4-independent group 4 enhancer GRCh37_chr14:23854904-23856103; plus strand). Cytogenetic location: 14q11.2.
Variant type: single nucleotide variant.
Coding change: c.4798C>T on transcript NM_002471.4 (MANE Select); coding-DNA position 4798, C replaced by T.
Protein change: p.Gln1600Ter; replaces glutamine 1600 with a stop codon.
Molecular consequence: nonsense.
Genome position (GRCh38, 1-based): chr14:23,386,476, G>A on the plus strand (C>T on the coding strand, the complement: MYH6 is on the minus strand). VCF-style: chr14-23386476-G-A. GRCh37 (hg19) VCF-style: chr14-23855685-G-A.
Other names: short protein forms Q1600*.
Identifiers: ClinVar variation 4733091 (VCV004733091.1).